The following is an entry in ClinVar:

NM_000051.4(ATM):c.5673A>G (p.Ser1891=)

Gene: ATM (ATM serine/threonine kinase; plus strand). Cytogenetic location: 11q22.3.
Variant type: single nucleotide variant.
Coding change: c.5673A>G on transcript NM_000051.4 (MANE Select); coding-DNA position 5673, A replaced by G.
Protein change: p.Ser1891=; no amino-acid change (serine 1891 retained).
Molecular consequence: synonymous variant.
Genome position (GRCh38, 1-based): chr11:108,304,851, A>G. VCF-style: chr11-108304851-A-G. GRCh37 (hg19) VCF-style: chr11-108175578-A-G.
Other names: c.5673A>G, p.Ser1891= (NM_001351834.2).
Identifiers: ClinVar variation 453595 (VCV000453595.6), dbSNP rs1555107607, ClinGen allele CA476675207.
Genomic context (GRCh38, chr11:108,304,851, plus strand): 5'-CAGCTGTCTTCGACACTTCTCGCAAACGAGCCGATCCACAACCCCTGCAAACTTGGATTC[A>G]GGTATTCTATTAAATTTTTAACATTAATACTGTAAACTCAGTTCTAGAGAAAGATGGATT-3'
Protein context (NP_000042.3, residues 1881-1901): SRSTTPANLD[Ser1891=]ESEHFFRCCL

ClinVar aggregate classification (germline): Uncertain significance (1 of 4 stars; one submission).

Conditions:
Ataxia-telangiectasia syndrome (AT). Also called: Cerebello-oculocutaneous telangiectasia; Immunodeficiency with ataxia telangiectasia; Ataxia-telangiectasia, complementation group D; AT, COMPLEMENTATION GROUP C; Ataxia-telangiectasia, complementation group E; LOUIS-BAR SYNDROME. Identifiers: Orphanet 100, MedGen C0004135, MONDO:0008840, OMIM 208900.

Allele frequency attached by ClinVar (database versions not stated): gnomAD exomes below 0.00001.
gnomAD v4.1: 1 of 1,613,830 alleles (0.000062%); highest among the groups gnomAD compares: East Asian, 0.0022%; no homozygotes.

Submission:

Labcorp Genetics (formerly Invitae), Labcorp
Classification: Uncertain significance for Ataxia-telangiectasia syndrome. Last evaluated: 2022-08-10. Review status: criteria provided, single submitter. Criteria: Invitae Variant Classification Sherloc (09022015). Collection method: clinical testing. Allele origin: germline.
Comment: In summary, the available evidence is currently insufficient to determine the role of this variant in disease. Therefore, it has been classified as a Variant of Uncertain Significance. Algorithms developed to predict the effect of sequence changes on RNA splicing suggest that this variant is not likely to affect RNA splicing. ClinVar contains an entry for this variant (Variation ID: 453595). This variant has not been reported in the literature in individuals affected with ATM-related conditions. This variant is not present in population databases (gnomAD no frequency). This sequence change affects codon 1891 of the ATM mRNA. It is a 'silent' change, meaning that it does not change the encoded amino acid sequence of the ATM protein. It affects a nucleotide within the consensus splice site.